The following is an entry in ClinVar:

ClinVar aggregate classification (germline): Uncertain significance (1 of 4 stars; one submission).

Conditions:
Hyperkalemic periodic paralysis. Also called: Familial hyperkalemic periodic paralysis; Gamstorp disease. Identifiers: Orphanet 682, MedGen C0238357, MONDO:0008224, OMIM 170500, HP:0007215.

Submission:

Labcorp Genetics (formerly Invitae), Labcorp
Classification: Uncertain significance for Hyperkalemic periodic paralysis. Last evaluated: 2025-08-07. Review status: criteria provided, single submitter. Criteria: Invitae Variant Classification Sherloc (09022015). Collection method: clinical testing. Allele origin: germline.
Comment: This sequence change replaces methionine, which is neutral and non-polar, with isoleucine, which is neutral and non-polar, at codon 1390 of the SCN4A protein (p.Met1390Ile). This variant is not present in population databases (gnomAD no frequency). This variant has not been reported in the literature in individuals affected with SCN4A-related conditions. Invitae Evidence Modeling of protein sequence and biophysical properties (such as structural, functional, and spatial information, amino acid conservation, physicochemical variation, residue mobility, and thermodynamic stability) indicates that this missense variant is not expected to disrupt SCN4A protein function with a negative predictive value of 95%. In summary, the available evidence is currently insufficient to determine the role of this variant in disease. Therefore, it has been classified as a Variant of Uncertain Significance.

NM_000334.4(SCN4A):c.4170G>A (p.Met1390Ile)

Genes: GH-LCR (growth hormone locus control region; plus strand), SCN4A (sodium voltage-gated channel alpha subunit 4; minus strand). Cytogenetic location: 17q23.3.
Variant type: single nucleotide variant.
Coding change: c.4170G>A on transcript NM_000334.4 (MANE Select); coding-DNA position 4170, G replaced by A.
Protein change: p.Met1390Ile; replaces methionine 1390 with isoleucine.
Molecular consequence: missense variant.
Genome position (GRCh38, 1-based): chr17:63,942,944, C>T on the plus strand (G>A on the coding strand, the complement: SCN4A is on the minus strand). VCF-style: chr17-63942944-C-T. GRCh37 (hg19) VCF-style: chr17-62020304-C-T.
Other names: short protein forms M1390I.
Identifiers: ClinVar variation 4706854 (VCV004706854.1).